The following is an entry in ClinVar:

ClinVar aggregate classification (germline): Benign/Likely benign. Review status: criteria provided, multiple submitters, no conflicts (2 of 4 stars). 2 submissions from 2 submitters: Benign (1); Likely benign (1). Last evaluated 2025-12-29.

Allele frequency attached by ClinVar (database versions not stated): ExAC 0.00094; 1000 Genomes Project 0.00260; gnomAD exomes 0.00032 and 0.00076; gnomAD 0.00293 and 0.00310; ESP Exome Variant Server 0.00310.

Submissions (2):

Center for Genomic Medicine, Rigshospitalet, Copenhagen University Hospital
Classification: Benign. Last evaluated: 2025-12-29. Review status: criteria provided, single submitter. Criteria: ACMG Guidelines, 2015. Collection method: clinical testing. Allele origin: germline.
Comment: Classification criteria: BA1

GeneDx
Classification: Likely benign. Last evaluated: 2019-06-21. Review status: criteria provided, single submitter. Criteria: GeneDx Variant Classification Process June 2021. Collection method: clinical testing. Allele origin: germline. Affected: yes.

NM_001099274.3(TINF2):c.1129+48_1129+50dup

Gene: TINF2 (TERF1 interacting nuclear factor 2; minus strand). Cytogenetic location: 14q12.
Variant type: Duplication.
Coding change: c.1129+48_1129+50dup on transcript NM_001099274.3 (MANE Select); bases 48 to 50 of the intron after coding-DNA position 1129, 3 bases duplicated (ACT; older notation c.1129+48_1129+50dupACT).
Molecular consequence: intron variant. On other transcripts: 3 prime UTR variant (1).
Genome position (GRCh38, 1-based): chr14:24,240,213-24,240,215, AGT duplicated on the plus strand (ACT on the coding strand, the reverse complement: TINF2 is on the minus strand). VCF-style (leftmost placement, unchanged base first): chr14-24240212-G-GAGT. GRCh37 (hg19) VCF-style: chr14-24709418-G-GAGT.
Other names: c.*200_*202dup (NM_012461.3); c.1024+48_1024+50dup (NM_001363668.2); c.1129+48_1129+50dupACT (NM_001099274.3).
Identifiers: ClinVar variation 1198544 (VCV001198544.3), dbSNP rs370436310, ClinGen allele CA7130489.